The following is an entry in ClinVar:

NC_000009.12:g.35657751dup

Gene: RMRP (RNA component of mitochondrial RNA processing endoribonuclease; minus strand). Cytogenetic location: 9p13.3.
Variant type: Duplication.
Genome position: GRCh38 VCF-style: chr9-35657745-C-CA. GRCh37 (hg19) VCF-style: chr9-35657742-C-CA.
Identifiers: ClinVar variation 1947498 (VCV001947498.2), dbSNP rs549047941, ClinGen allele CA5045802.

ClinVar aggregate classification (germline): Uncertain significance (1 of 4 stars; one submission).

Conditions:
Anauxetic dysplasia. Identifiers: Orphanet 93347, MedGen C1846796, MONDO:0011773.

Submission:

Labcorp Genetics (formerly Invitae), Labcorp
Classification: Uncertain significance for Anauxetic dysplasia. Last evaluated: 2022-06-27. Review status: criteria provided, single submitter. Criteria: Invitae Variant Classification Sherloc (09022015). Collection method: clinical testing. Allele origin: germline.
Comment: This variant occurs in the RMRP gene, which encodes an RNA molecule that does not result in a protein product. This variant is present in population databases (rs757755234, gnomAD 0.03%). This variant has not been reported in the literature in individuals affected with RMRP-related conditions. Experimental studies and prediction algorithms are not available or were not evaluated, and the functional significance of this variant is currently unknown. In summary, the available evidence is currently insufficient to determine the role of this variant in disease. Therefore, it has been classified as a Variant of Uncertain Significance.